The following is an entry in ClinVar:

ClinVar aggregate classification (germline): Uncertain significance (1 of 4 stars; one submission).

Conditions:
Hereditary cancer-predisposing syndrome. Also called: Hereditary Cancer Syndrome; Neoplastic Syndromes, Hereditary; Tumor predisposition; Hereditary neoplastic syndrome. Identifiers: Orphanet 140162, MedGen C0027672, MeSH D009386, MONDO:0015356.

Submission:

Ambry Genetics
Classification: Uncertain significance for Hereditary cancer-predisposing syndrome. Last evaluated: 2025-11-21. Review status: criteria provided, single submitter. Criteria: Ambry Variant Classification Scheme 2023. Collection method: clinical testing. Allele origin: germline.
Comment: The p.A1945S variant (also known as c.5833G>T), located in coding exon 38 of the ATM gene, results from a G to T substitution at nucleotide position 5833. The alanine at codon 1945 is replaced by serine, an amino acid with similar properties. This amino acid position is highly conserved in available vertebrate species. In addition, the in silico prediction for this alteration is inconclusive. Based on the available evidence, the clinical significance of this variant remains unclear.

NM_000051.4(ATM):c.5833G>T (p.Ala1945Ser)

Genes: ATM (ATM serine/threonine kinase; plus strand), C11orf65 (chromosome 11 open reading frame 65; minus strand). Cytogenetic location: 11q22.3.
Variant type: single nucleotide variant.
Coding change: c.5833G>T on transcript NM_000051.4 (MANE Select); coding-DNA position 5833, G replaced by T.
Protein change: p.Ala1945Ser; replaces alanine 1945 with serine.
Molecular consequence: missense variant. On other transcripts: intron variant (2).
Genome position (GRCh38, 1-based): chr11:108,310,230, G>T. VCF-style: chr11-108310230-G-T. GRCh37 (hg19) VCF-style: chr11-108180957-G-T.
Other names: c.5833G>T, p.Ala1945Ser (NM_001351834.2); c.641-1159C>A (NM_001330368.2); c.*39-1159C>A (NM_001351110.2); short protein forms A1945S.
Identifiers: ClinVar variation 4618489 (VCV004618489.1).